The following is an entry in ClinVar:

ClinVar aggregate classification (germline): Conflicting classifications of pathogenicity. Review status: criteria provided, conflicting classifications (1 of 4 stars). 7 submissions from 7 submitters: Likely pathogenic (1); Uncertain significance (1); Likely benign (4). 1 of the submissions does not count toward it. Last evaluated 2025-02-16.

Conditions:
SHOX-related disorder. Also called: SHOX-related condition.
Connective tissue disorder. Also called: Connective tissue disease. Identifiers: MedGen C0009782, MONDO:0003900.
Leri-Weill dyschondrosteosis (LWD). Also called: Léri-Weill dyschondrosteosis; Leri-Weill Dyschondrosteosis (LWD); DYSCHONDROSTEOSIS. Identifiers: Orphanet 240, MedGen C0265309, MONDO:0007481, OMIM 127300.

Allele frequency attached by ClinVar (database versions not stated): 1000 Genomes Project 30x 0.00125; 1000 Genomes Project 0.00185; TOPMed 0.00313; gnomAD exomes 0.00401.
gnomAD v4.1: 6,294 of 1,607,792 alleles (0.39%); highest among the groups gnomAD compares: Non-Finnish European, 0.48%; 20 homozygotes.

Submissions (7):

Laboratory of Genetics, Children's Clinical University Hospital Latvia
Classification: Likely benign. Last evaluated: 2025-02-16. Review status: criteria provided, single submitter. Criteria: ACMG Guidelines, 2015. Collection method: clinical testing. Allele origin: germline. Affected: yes.

Blueprint Genetics
Classification: Likely benign. Last evaluated: 2024-11-28. Review status: criteria provided, single submitter. Criteria: ACMG Guidelines, 2015. Collection method: clinical testing. Allele origin: germline.

Department of Pathology and Laboratory Medicine, Sinai Health System
Classification: Likely benign for Leri-Weill dyschondrosteosis. Last evaluated: 2022-01-12. Review status: criteria provided, single submitter. Criteria: ACMG Guidelines, 2015. Collection method: research. Allele origin: germline.

Genome Diagnostics Laboratory, The Hospital for Sick Children
Classification: Uncertain significance for Connective tissue disorder. Last evaluated: 2020-04-21. Review status: criteria provided, single submitter. Criteria: ACMG Guidelines, 2015. Collection method: clinical testing. Allele origin: germline.

Eurofins Ntd Llc (ga)
Classification: Likely benign. Last evaluated: 2018-04-17. Review status: criteria provided, single submitter. Criteria: EGL ClinVar v180209 classification definitions. Collection method: clinical testing. Allele origin: germline. Observed: 1 variant allele, 1 heterozygote.

Clinical Genetics and Genomics, Karolinska University Hospital
Classification: Likely pathogenic. Last evaluated: 2015-05-20. Review status: criteria provided, single submitter. Criteria: ACMG Guidelines, 2015. Collection method: clinical testing. Allele origin: germline. Affected: yes. Observed: 2 variant alleles.

PreventionGenetics, part of Exact Sciences
Classification: Likely benign for SHOX-related condition. Last evaluated: 2020-10-15. Review status: no assertion criteria provided. Collection method: clinical testing. Allele origin: germline. Not counted in ClinVar's aggregate classification.
Comment: This variant is classified as likely benign based on ACMG/AMP sequence variant interpretation guidelines (Richards et al. 2015 PMID: 25741868, with internal and published modifications).

NM_000451.4(SHOX):c.-55C>T

Gene: SHOX (SHOX homeobox; plus strand). Cytogenetic location: Xp22.33.
Variant type: single nucleotide variant.
Coding change: c.-55C>T on transcript NM_000451.4 (MANE Select); 55 bases upstream of the start codon, C replaced by T.
Molecular consequence: 5 prime UTR variant.
Genome position (GRCh38, 1-based): chrX:630,843, C>T. VCF-style: chrX-630843-C-T. GRCh37 (hg19) VCF-style: chrX-591578-C-T.
Other names: c.-55C>T (NM_006883.2).
Identifiers: ClinVar variation 596727 (VCV000596727.14), dbSNP rs772910213, ClinGen allele CA325619327.